The following is an entry in ClinVar:

ClinVar aggregate classification (germline): Uncertain significance. Review status: criteria provided, multiple submitters, no conflicts (2 of 4 stars). 2 submissions from 2 submitters: Uncertain significance (2). Last evaluated 2025-12-03.

Conditions:
Noonan syndrome 8 (NS8). Identifiers: Orphanet 648, MedGen C3809233, MONDO:0014143, OMIM 615355.
RIT1-related disorder. Also called: RIT1-related condition.

Allele frequency attached by ClinVar (database versions not stated): ESP Exome Variant Server 0.00008.

Submissions (2):

PreventionGenetics, part of Exact Sciences
Classification: Uncertain significance for RIT1-related condition. Last evaluated: 2025-12-03. Review status: criteria provided, single submitter. Criteria: ACMG Guidelines, 2015. Collection method: clinical testing. Allele origin: germline.
Comment: The RIT1 c.668G>C variant is predicted to result in the amino acid substitution p.Arg223Thr. To our knowledge, this variant has not been reported in the literature or in a large population database (gnomAD), indicating this variant is rare. At this time, the clinical significance of this variant is uncertain due to the absence of conclusive functional and genetic evidence.

Labcorp Genetics (formerly Invitae), Labcorp
Classification: Uncertain significance for Noonan syndrome 8. Last evaluated: 2023-01-23. Review status: criteria provided, single submitter. Criteria: Invitae Variant Classification Sherloc (09022015). Collection method: clinical testing. Allele origin: germline.
Comment: This sequence change replaces arginine, which is basic and polar, with threonine, which is neutral and polar, at codon 206 of the RIT1 protein (p.Arg206Thr). This variant is not present in population databases (gnomAD no frequency). This variant has not been reported in the literature in individuals affected with RIT1-related conditions. Advanced modeling of protein sequence and biophysical properties (such as structural, functional, and spatial information, amino acid conservation, physicochemical variation, residue mobility, and thermodynamic stability) performed at Invitae indicates that this missense variant is not expected to disrupt RIT1 protein function. In summary, the available evidence is currently insufficient to determine the role of this variant in disease. Therefore, it has been classified as a Variant of Uncertain Significance.

NM_006912.6(RIT1):c.617G>C (p.Arg206Thr)

Gene: RIT1 (Ras like without CAAX 1; minus strand). Cytogenetic location: 1q22.
Variant type: single nucleotide variant.
Coding change: c.617G>C on transcript NM_006912.6 (MANE Select); coding-DNA position 617, G replaced by C.
Protein change: p.Arg206Thr; replaces arginine 206 with threonine.
Molecular consequence: missense variant.
Genome position (GRCh38, 1-based): chr1:155,900,431, C>G on the plus strand (G>C on the coding strand, the complement: RIT1 is on the minus strand). VCF-style: chr1-155900431-C-G. GRCh37 (hg19) VCF-style: chr1-155870222-C-G.
Other names: c.668G>C (NM_001256821.1); c.509G>C, p.Arg170Thr (NM_001256820.2); c.668G>C, p.Arg223Thr (NM_001256821.2); short protein forms R223T, R170T, R206T.
Identifiers: ClinVar variation 2057517 (VCV002057517.5), dbSNP rs138290726, ClinGen allele CA30982313.